The following is an entry in ClinVar:

ClinVar aggregate classification (germline): Conflicting classifications of pathogenicity. Review status: criteria provided, conflicting classifications (1 of 4 stars). 2 submissions from 2 submitters: Uncertain significance (1); Likely benign (1). Last evaluated 2025-11-11.

Conditions:
Inborn genetic diseases. Identifiers: MedGen C0950123, MeSH D030342.
Camptomelic dysplasia (CMPD). Also called: CMPD1/SRA1; Campomelic Dysplasia. Identifiers: Orphanet 140, MedGen C1861922, MONDO:0007251, OMIM 114290.

Submissions (2):

Ambry Genetics
Classification: Likely benign for Inborn genetic diseases. Last evaluated: 2025-11-11. Review status: criteria provided, single submitter. Criteria: Ambry Variant Classification Scheme 2023. Collection method: clinical testing. Allele origin: germline.

Labcorp Genetics (formerly Invitae), Labcorp
Classification: Uncertain significance for Camptomelic dysplasia. Last evaluated: 2025-03-12. Review status: criteria provided, single submitter. Criteria: Invitae Variant Classification Sherloc (09022015). Collection method: clinical testing. Allele origin: germline.
Comment: This sequence change replaces glutamic acid, which is acidic and polar, with aspartic acid, which is acidic and polar, at codon 261 of the SOX9 protein (p.Glu261Asp). This variant is present in population databases (rs751690259, gnomAD 0.03%). This variant has not been reported in the literature in individuals affected with SOX9-related conditions. ClinVar contains an entry for this variant (Variation ID: 1384308). Invitae Evidence Modeling of protein sequence and biophysical properties (such as structural, functional, and spatial information, amino acid conservation, physicochemical variation, residue mobility, and thermodynamic stability) indicates that this missense variant is not expected to disrupt SOX9 protein function with a negative predictive value of 95%. In summary, the available evidence is currently insufficient to determine the role of this variant in disease. Therefore, it has been classified as a Variant of Uncertain Significance.

NM_000346.4(SOX9):c.783G>C (p.Glu261Asp)

Gene: SOX9 (SRY-box transcription factor 9; plus strand). Cytogenetic location: 17q24.3.
Variant type: single nucleotide variant.
Coding change: c.783G>C on transcript NM_000346.4 (MANE Select); coding-DNA position 783, G replaced by C.
Protein change: p.Glu261Asp; replaces glutamic acid 261 with aspartic acid.
Molecular consequence: missense variant.
Genome position (GRCh38, 1-based): chr17:72,123,640, G>C. VCF-style: chr17-72123640-G-C. GRCh37 (hg19) VCF-style: chr17-70119781-G-C.
Other names: c.783G>C (NM_000346.3); short protein forms E261D.
Identifiers: ClinVar variation 1384308 (VCV001384308.9), dbSNP rs751690259, ClinGen allele CA8739023.
Genomic context (GRCh38, chr17:72,123,640, plus strand): 5'-CAAAACCGACGTGCAGCCGGGCAAGGCTGACCTGAAGCGAGAGGGGCGCCCCTTGCCAGA[G>C]GGGGGCAGACAGCCCCCTATCGACTTCCGCGACGTGGACATCGGCGAGCTGAGCAGCGAC-3'
Protein context (NP_000337.1, residues 251-271): DLKREGRPLP[Glu261Asp]GGRQPPIDFR